The following is an entry in ClinVar:

ClinVar aggregate classification (germline): Uncertain significance. Review status: criteria provided, multiple submitters, no conflicts (2 of 4 stars). 2 submissions from 2 submitters: Uncertain significance (2). Last evaluated 2025-08-29.

gnomAD v4.1: 13 of 1,613,066 alleles (0.00081%); highest among the groups gnomAD compares: Admixed American, 0.022%; no homozygotes.

Submissions (2):

Ambry Genetics
Classification: Uncertain significance. Last evaluated: 2025-08-29. Review status: criteria provided, single submitter. Criteria: Ambry Variant Classification Scheme 2023. Collection method: clinical testing. Allele origin: germline.

Labcorp Genetics (formerly Invitae), Labcorp
Classification: Uncertain significance. Last evaluated: 2024-03-24. Review status: criteria provided, single submitter. Criteria: Invitae Variant Classification Sherloc (09022015). Collection method: clinical testing. Allele origin: germline.
Comment: This sequence change replaces leucine, which is neutral and non-polar, with proline, which is neutral and non-polar, at codon 471 of the ITSN2 protein (p.Leu471Pro). This variant is present in population databases (rs758215922, gnomAD 0.03%). This variant has not been reported in the literature in individuals affected with ITSN2-related conditions. Experimental studies and prediction algorithms are not available or were not evaluated, and the functional significance of this variant is currently unknown. In summary, the available evidence is currently insufficient to determine the role of this variant in disease. Therefore, it has been classified as a Variant of Uncertain Significance.

NM_006277.3(ITSN2):c.1412T>C (p.Leu471Pro)

Gene: ITSN2 (intersectin 2; minus strand). Cytogenetic location: 2p23.3.
Variant type: single nucleotide variant.
Coding change: c.1412T>C on transcript NM_006277.3 (MANE Select); coding-DNA position 1412, T replaced by C.
Protein change: p.Leu471Pro; replaces leucine 471 with proline.
Molecular consequence: missense variant.
Genome position (GRCh38, 1-based): chr2:24,298,747, A>G on the plus strand (T>C on the coding strand, the complement: ITSN2 is on the minus strand). VCF-style: chr2-24298747-A-G. GRCh37 (hg19) VCF-style: chr2-24521616-A-G.
Other names: c.1412T>C (NM_006277.2); c.1370T>C, p.Leu457Pro (NM_001348181.2, NM_001348184.2); c.1412T>C, p.Leu471Pro (NM_001348182.2, NM_001348183.2, NM_001348185.2 and 3 more transcripts); short protein forms L471P, L457P.
Identifiers: ClinVar variation 3700224 (VCV003700224.3).